The following is an entry in ClinVar:

NM_052947.4(ALPK2):c.1069T>A (p.Leu357Ile)

Genes: ALPK2 (alpha kinase 2; minus strand), LOC114803473 (ALPK2 eExon liver enhancer; plus strand). Cytogenetic location: 18q21.31.
Variant type: single nucleotide variant.
Coding change: c.1069T>A on transcript NM_052947.4 (MANE Select); coding-DNA position 1069, T replaced by A.
Protein change: p.Leu357Ile; replaces leucine 357 with isoleucine.
Molecular consequence: missense variant.
Genome position (GRCh38, 1-based): chr18:58,579,707, A>T on the plus strand (T>A on the coding strand, the complement: ALPK2 is on the minus strand). VCF-style: chr18-58579707-A-T. GRCh37 (hg19) VCF-style: chr18-56246939-A-T.
Other names: short protein forms L357I.
Identifiers: ClinVar variation 2564101 (VCV002564101.2), dbSNP rs2051945657, ClinGen allele CA402564861.

ClinVar aggregate classification (germline): Uncertain significance (1 of 4 stars; one submission).

Submission:

Ambry Genetics
Classification: Uncertain significance. Last evaluated: 2023-06-01. Review status: criteria provided, single submitter. Criteria: Ambry Variant Classification Scheme 2023. Collection method: clinical testing. Allele origin: germline.
Comment: The p.L357I variant (also known as c.1069T>A), located in coding exon 3 of the ALPK2 gene, results from a T to A substitution at nucleotide position 1069. The leucine at codon 357 is replaced by isoleucine, an amino acid with highly similar properties. This amino acid position is conserved. In addition, this alteration is predicted to be tolerated by in silico analysis. Since supporting evidence is limited at this time, the clinical significance of this alteration remains unclear.